The following is an entry in ClinVar:

ClinVar aggregate classification (germline): Conflicting classifications of pathogenicity. Review status: criteria provided, conflicting classifications (1 of 4 stars). 6 submissions from 6 submitters: Pathogenic (1); Likely pathogenic (4); Uncertain significance (1). Last evaluated 2026-01-19.

Conditions:
Familial thoracic aortic aneurysm and aortic dissection (TAAD). Also called: Thoracic aortic aneurysms and dissections. Identifiers: Orphanet 91387, MedGen C4707243, MONDO:0019625.
Aortic aneurysm, familial thoracic 6 (AAT6). Also called: FAMILIAL THORACIC AORTIC ANEURYSM WITH LIVEDO RETICULARIS AND IRIS FLOCCULI. Identifiers: MedGen C2673186, MONDO:0012730, OMIM 611788.
ACTA2-related disorder. Also called: ACTA2-related condition; ACTA2-related disorders.

Allele frequency attached by ClinVar (database versions not stated): gnomAD exomes below 0.00001.
gnomAD v4.1: 1 of 1,613,740 alleles (0.000062%); highest among the groups gnomAD compares: Non-Finnish European, 0.000085%; no homozygotes.

Submissions (6):

Labcorp Genetics (formerly Invitae), Labcorp
Classification: Likely pathogenic for Aortic aneurysm, familial thoracic 6. Last evaluated: 2026-01-19. Review status: criteria provided, single submitter. Criteria: Invitae Variant Classification Sherloc (09022015). Collection method: clinical testing. Allele origin: germline.
Comment: This sequence change replaces arginine, which is basic and polar, with tryptophan, which is neutral and slightly polar, at codon 118 of the ACTA2 protein (p.Arg118Trp). This variant is not present in population databases (gnomAD no frequency). This missense change has been observed in individuals with clinical features of ACTA2-related conditions (PMID: 38486025; internal data). ClinVar contains an entry for this variant (Variation ID: 1053987). Invitae Evidence Modeling of protein sequence and biophysical properties (such as structural, functional, and spatial information, amino acid conservation, physicochemical variation, residue mobility, and thermodynamic stability) indicates that this missense variant is expected to disrupt ACTA2 protein function with a positive predictive value of 80%. Experimental studies have shown that this missense change affects ACTA2 function (PMID: 38486025). This variant disrupts the p.Arg118 amino acid residue in ACTA2. Other variant(s) that disrupt this residue have been determined to be pathogenic (PMID: 17994018, 19409525, 21248741, 25759435). This suggests that this residue is clinically significant, and that variants that disrupt this residue are likely to be disease-causing. In summary, the currently available evidence indicates that the variant is pathogenic, but additional data are needed to prove that conclusively. Therefore, this variant has been classified as Likely Pathogenic.

Blueprint Genetics
Classification: Likely pathogenic for ACTA2-related disorders. Last evaluated: 2024-09-09. Review status: criteria provided, single submitter. Criteria: ACMG Guidelines, 2015. Collection method: clinical testing. Allele origin: germline. Affected: yes. Observed: 1 variant allele.

Clinical Genetics Unit, University of Padua
Classification: Pathogenic for Aortic aneurysm, familial thoracic 6. Last evaluated: 2024-03-15. Review status: criteria provided, single submitter. Criteria: ACMG Guidelines, 2015. Collection method: clinical testing, in vivo. Allele origin: unknown, not applicable. Affected: yes. Observed: 1 variant allele. Functional consequence: dominant negative variant.
Comment: ACTA2 is part of ACMG SF v3.3 genes recommended for return as secondary findings from clinical exome and genome sequencing (PMID: 40568962). Our study in yeast (PMID: 38486025) provides functional evidences for pathogenicity of the NM_001613.2:c.352C > T p.(Arg118Trp) variant.

All of Us Research Program, National Institutes of Health
Classification: Uncertain significance for Familial thoracic aortic aneurysm and aortic dissection. Last evaluated: 2023-07-07. Review status: criteria provided, single submitter. Criteria: ACMG Guidelines, 2015. Collection method: clinical testing. Allele origin: germline. Inheritance: Autosomal dominant inheritance. Observed: 1 variant allele, 1 heterozygote.
Comment: This variant is absent from or rare in large population databases, including the Genome Aggregation Database. A different missense substitution at this amino acid residue (R118Q) has been previously reported in individual(s) with familial thoracic aortic aneurysm and dissection (TAAD) and classified as pathogenic (PMID: 17994018, 19409525, 21248741, 25759435), which supports the functional importance of this position. This variant is predicted to be deleterious by in silico analysis.

This study involves interpretation of variants in research participants for the purpose of population health screening. Participant phenotype was not available at the time of variant classification. Additional details can be found in publication PMID: 35346344, PMCID: PMC8962531

Ambry Genetics
Classification: Likely pathogenic for Familial thoracic aortic aneurysm and aortic dissection. Last evaluated: 2022-02-04. Review status: criteria provided, single submitter. Criteria: Ambry Variant Classification Scheme 2023. Collection method: clinical testing. Allele origin: germline.
Comment: The p.R118W variant (also known as c.352C>T), located in coding exon 3 of the ACTA2 gene, results from a C to T substitution at nucleotide position 352. The arginine at codon 118 is replaced by tryptophan, an amino acid with dissimilar properties. An alternate amino acid substitution at this position, p.R118Q (c.353G>A), has been reported to segregate with thoracic aortic aneurysm and dissection in multiple families (Guo DC et al. Nat. Genet., 2007 Dec;39:1488-93; Guo DC et al. Am. J. Hum. Genet., 2009 May;84:617-27; Bee KJ et al. Circ Cardiovasc Genet, 2012 Dec;5:621-9). In addition, based on internal structural assessment, the p.R118W alteration disrupts the structure of actin (Merino F et al. Nat. Struct. Mol. Biol., 2018 06;25:528-537; Mouilleron S et al. Structure, 2012 Nov;20:1960-70). This variant was not reported in population-based cohorts in the Genome Aggregation Database (gnomAD). This amino acid position is highly conserved in available vertebrate species. In addition, this alteration is predicted to be deleterious by in silico analysis. Based on the majority of available evidence to date, this variant is likely to be pathogenic.

Greenwood Genetic Center Diagnostic Laboratories, Greenwood Genetic Center
Classification: Likely pathogenic. Last evaluated: 2021-02-12. Review status: criteria provided, single submitter. Criteria: ACMG Guidelines, 2015. Collection method: clinical testing. Allele origin: germline.
Comment: PP2, PP3, PM2, PM5

Literature cited by the submitters: PubMed 38486025 (cited by Labcorp Genetics (formerly Invitae), Labcorp); PubMed 17994018 (cited by 3 submitters); PubMed 19409525 (cited by Labcorp Genetics (formerly Invitae), Labcorp and All of Us Research Program, National Institutes of Health); PubMed 21248741 (cited by Labcorp Genetics (formerly Invitae), Labcorp and All of Us Research Program, National Institutes of Health); PubMed 25759435 (cited by Labcorp Genetics (formerly Invitae), Labcorp and All of Us Research Program, National Institutes of Health); PubMed 40568962 (cited by Clinical Genetics Unit, University of Padua); PubMed 23041370 (cited by Ambry Genetics); PubMed 29867215 (cited by Ambry Genetics).

NM_001613.4(ACTA2):c.352C>T (p.Arg118Trp)

Gene: ACTA2 (actin alpha 2, smooth muscle; minus strand). Cytogenetic location: 10q23.31.
Variant type: single nucleotide variant.
Coding change: c.352C>T on transcript NM_001613.4 (MANE Select); coding-DNA position 352, C replaced by T.
Protein change: p.Arg118Trp; replaces arginine 118 with tryptophan.
Molecular consequence: missense variant.
Genome position (GRCh38, 1-based): chr10:88,943,814, G>A on the plus strand (C>T on the coding strand, the complement: ACTA2 is on the minus strand). VCF-style: chr10-88943814-G-A. GRCh37 (hg19) VCF-style: chr10-90703571-G-A.
Other names: c.352C>T, p.Arg118Trp (NM_001141945.3, NM_001320855.2, NM_001406462.1 and 3 more transcripts); c.223C>T, p.Arg75Trp (NM_001406467.1, NM_001406468.1, NM_001406469.1); short protein forms R118W, R75W.
Identifiers: ClinVar variation 1053987 (VCV001053987.22), dbSNP rs1845899655, ClinGen allele CA377512814.